The following is an entry in ClinVar:

ClinVar aggregate classification (germline): Uncertain significance. Review status: criteria provided, multiple submitters, no conflicts (2 of 4 stars). 2 submissions from 2 submitters: Uncertain significance (2). Last evaluated 2021-12-13.

gnomAD v4.1: 5 of 1,613,994 alleles (0.00031%); highest among the groups gnomAD compares: Non-Finnish European, 0.00042%; no homozygotes.

Submissions (2):

Labcorp Genetics (formerly Invitae), Labcorp
Classification: Uncertain significance. Last evaluated: 2021-12-13. Review status: criteria provided, single submitter. Criteria: Invitae Variant Classification Sherloc (09022015). Collection method: clinical testing. Allele origin: germline.
Comment: This sequence change replaces isoleucine, which is neutral and non-polar, with methionine, which is neutral and non-polar, at codon 377 of the ACAD9 protein (p.Ile377Met). This variant is present in population databases (no rsID available, gnomAD 0.007%). This variant has not been reported in the literature in individuals affected with ACAD9-related conditions. ClinVar contains an entry for this variant (Variation ID: 1312146). Advanced modeling of protein sequence and biophysical properties (such as structural, functional, and spatial information, amino acid conservation, physicochemical variation, residue mobility, and thermodynamic stability) performed at Invitae indicates that this missense variant is not expected to disrupt ACAD9 protein function. In summary, the available evidence is currently insufficient to determine the role of this variant in disease. Therefore, it has been classified as a Variant of Uncertain Significance.

GeneDx
Classification: Uncertain significance. Last evaluated: 2019-09-06. Review status: criteria provided, single submitter. Criteria: GeneDx Variant Classification Process June 2021. Collection method: clinical testing. Allele origin: germline. Affected: yes.
Comment: Not observed at a significant frequency in large population cohorts (Lek et al., 2016); In silico analysis, which includes protein predictors and evolutionary conservation, supports that this variant does not alter protein structure/function; Has not been previously published as pathogenic or benign to our knowledge

NM_014049.5(ACAD9):c.1131C>G (p.Ile377Met)

Gene: ACAD9 (acyl-CoA dehydrogenase family member 9; plus strand). Cytogenetic location: 3q21.3.
Variant type: single nucleotide variant.
Coding change: c.1131C>G on transcript NM_014049.5 (MANE Select); coding-DNA position 1131, C replaced by G.
Protein change: p.Ile377Met; replaces isoleucine 377 with methionine.
Molecular consequence: missense variant. On other transcripts: non-coding transcript variant (1).
Genome position (GRCh38, 1-based): chr3:128,904,487, C>G. VCF-style: chr3-128904487-C-G. GRCh37 (hg19) VCF-style: chr3-128623330-C-G.
Other names: short protein forms I377M.
Identifiers: ClinVar variation 1312146 (VCV001312146.4), dbSNP rs781096699, ClinGen allele CA354436436.